The following is an entry in ClinVar:

NM_004287.5(GOSR2):c.-3G>A

Genes: GOSR2 (golgi SNAP receptor complex member 2; plus strand), LRRC37A2 (leucine rich repeat containing 37 member A2). Cytogenetic location: 17q21.32.
Variant type: single nucleotide variant.
Coding change: c.-3G>A on transcript NM_004287.5 (MANE Select); 3 bases upstream of the start codon, G replaced by A.
Molecular consequence: 5 prime UTR variant. On other transcripts: non-coding transcript variant (3).
Genome position (GRCh38, 1-based): chr17:46,923,190, G>A. VCF-style: chr17-46923190-G-A. GRCh37 (hg19) VCF-style: chr17-45000556-G-A.
Other names: c.-3G>A (NM_001012511.3, NM_001321133.2, NM_001330252.2 and 4 more transcripts); c.-105G>A (NM_001321134.2); c.-468G>A (NM_001363851.2).
Identifiers: ClinVar variation 4075477 (VCV004075477.1).

ClinVar aggregate classification (germline): Uncertain significance (1 of 4 stars; one submission).

gnomAD v4.1: 23 of 1,544,492 alleles (0.0015%); highest among the groups gnomAD compares: Non-Finnish European, 0.0018%; no homozygotes.

Submission:

GeneDx
Classification: Uncertain significance. Last evaluated: 2025-02-13. Review status: criteria provided, single submitter. Criteria: GeneDx Variant Classification Process June 2021. Collection method: clinical testing. Allele origin: germline. Affected: yes.
Comment: See Variant Classification Assertion Criteria.